The following is an entry in ClinVar:

NM_152416.4(NDUFAF6):c.139G>A (p.Ala47Thr)

Genes: NDUFAF6 (NADH:ubiquinone oxidoreductase complex assembly factor 6; plus strand), LOC113788297 (Sharpr-MPRA regulatory region 2014; plus strand). Cytogenetic location: 8q22.1.
Variant type: single nucleotide variant.
Coding change: c.139G>A on transcript NM_152416.4 (MANE Select); coding-DNA position 139, G replaced by A.
Protein change: p.Ala47Thr; replaces alanine 47 with threonine.
Molecular consequence: missense variant. On other transcripts: non-coding transcript variant (6), intron variant (7), 5 prime UTR variant (12).
Genome position (GRCh38, 1-based): chr8:95,025,147, G>A. VCF-style: chr8-95025147-G-A. GRCh37 (hg19) VCF-style: chr8-96037375-G-A.
Other names: p.A47T:GCT>ACT; c.-136-6848G>A (NM_001354534.2); c.-83-6848G>A (NM_001354514.2, NM_001354515.2); c.-142G>A (NM_001330582.2, NM_001354521.2); c.-95G>A (NM_001354517.2); c.-314G>A (NM_001354518.2); c.-310G>A (NM_001354519.2); c.-659G>A (NM_001354527.2); and 9 more; short protein forms A47T.
Identifiers: ClinVar variation 214211 (VCV000214211.1), dbSNP rs863223930, ClinGen allele CA323227.

ClinVar aggregate classification (germline): Likely benign (1 of 4 stars; one submission).

Submission:

GeneDx
Classification: Likely benign. Last evaluated: 2013-03-22. Review status: criteria provided, single submitter. Criteria: GeneDx Variant Classification (06012015). Collection method: clinical testing. Allele origin: germline. Affected: yes.
Comment: This variant is considered likely benign or benign based on one or more of the following criteria: it is a conservative change, it occurs at a poorly conserved position in the protein, it is predicted to be benign by multiple in silico algorithms, and/or has population frequency not consistent with disease.